The following is an entry in ClinVar:

NM_005633.4(SOS1):c.2160A>G (p.Thr720=)

Gene: SOS1 (SOS Ras/Rac guanine nucleotide exchange factor 1; minus strand). Cytogenetic location: 2p22.1.
Variant type: single nucleotide variant.
Coding change: c.2160A>G on transcript NM_005633.4 (MANE Select); coding-DNA position 2160, A replaced by G.
Protein change: p.Thr720=; no amino-acid change (threonine 720 retained).
Molecular consequence: synonymous variant.
Genome position (GRCh38, 1-based): chr2:39,013,467, T>C on the plus strand (A>G on the coding strand, the complement: SOS1 is on the minus strand). VCF-style: chr2-39013467-T-C. GRCh37 (hg19) VCF-style: chr2-39240608-T-C.
Other names: c.2139A>G, p.Thr713= (NM_001382394.1); c.2160A>G, p.Thr720= (NM_001382395.1).
Identifiers: ClinVar variation 3729378 (VCV003729378.2).

ClinVar aggregate classification (germline): Uncertain significance (1 of 4 stars; one submission).

Conditions:
RASopathy. Also called: rasopathies; Noonan spectrum disorder. Identifiers: Orphanet 536391, MedGen C5555857, MONDO:0021060.

Submission:

Labcorp Genetics (formerly Invitae), Labcorp
Classification: Uncertain significance for RASopathy. Last evaluated: 2025-01-22. Review status: criteria provided, single submitter. Criteria: Invitae Variant Classification Sherloc (09022015). Collection method: clinical testing. Allele origin: germline.
Comment: This sequence change affects codon 720 of the SOS1 mRNA. It is a 'silent' change, meaning that it does not change the encoded amino acid sequence of the SOS1 protein. This variant is not present in population databases (gnomAD no frequency). This variant has not been reported in the literature in individuals affected with SOS1-related conditions. Algorithms developed to predict the effect of sequence changes on RNA splicing suggest that this variant may create or strengthen a splice site. In summary, the available evidence is currently insufficient to determine the role of this variant in disease. Therefore, it has been classified as a Variant of Uncertain Significance.